The following is an entry in ClinVar:

ClinVar aggregate classification (germline): Uncertain significance (1 of 4 stars; one submission).

Submission:

Labcorp Genetics (formerly Invitae), Labcorp
Classification: Uncertain significance. Last evaluated: 2020-02-12. Review status: criteria provided, single submitter. Criteria: Invitae Variant Classification Sherloc (09022015). Collection method: clinical testing. Allele origin: germline.
Comment: In summary, the available evidence is currently insufficient to determine the role of this variant in disease. Therefore, it has been classified as a Variant of Uncertain Significance. Nucleotide substitutions within the consensus splice site are a relatively common cause of aberrant splicing (PMID: 17576681, 9536098). Algorithms developed to predict the effect of sequence changes on RNA splicing suggest that this variant may disrupt the consensus splice site, but this prediction has not been confirmed by published transcriptional studies. This variant has not been reported in the literature in individuals with CACNA1F-related conditions. This variant is not present in population databases (ExAC no frequency). This sequence change falls in intron 31 of the CACNA1F gene. It does not directly change the encoded amino acid sequence of the CACNA1F protein, but it affects a nucleotide within the consensus splice site of the intron.

Literature cited by the submitters: PubMed 17576681; PubMed 9536098.

NM_001256789.3(CACNA1F):c.3793-3C>A

Gene: CACNA1F (calcium voltage-gated channel subunit alpha1 F; minus strand). Cytogenetic location: Xp11.23.
Variant type: single nucleotide variant.
Coding change: c.3793-3C>A on transcript NM_001256789.3 (MANE Select); 3 bases into the intron before coding-DNA position 3793, C replaced by A.
Molecular consequence: intron variant.
Genome position (GRCh38, 1-based): chrX:49,212,997, G>T on the plus strand (C>A on the coding strand, the complement: CACNA1F is on the minus strand). VCF-style: chrX-49212997-G-T. GRCh37 (hg19) VCF-style: chrX-49069457-G-T.
Other names: c.3826-3C>A (NM_005183.4); c.3631-3C>A (NM_001256790.3).
Identifiers: ClinVar variation 998674 (VCV000998674.7), dbSNP rs2065673899, ClinGen allele CA2428538549.